The following is an entry in ClinVar:

NM_001374353.1(GLI2):c.4577G>A (p.Arg1526His)

Gene: GLI2 (GLI family zinc finger 2; plus strand). Cytogenetic location: 2q14.2.
Variant type: single nucleotide variant.
Coding change: c.4577G>A on transcript NM_001374353.1 (MANE Select); coding-DNA position 4577, G replaced by A.
Protein change: p.Arg1526His; replaces arginine 1526 with histidine.
Molecular consequence: missense variant.
Genome position (GRCh38, 1-based): chr2:120,990,542, G>A. VCF-style: chr2-120990542-G-A. GRCh37 (hg19) VCF-style: chr2-121748118-G-A.
Other names: c.4628G>A, p.Arg1543His (NM_001371271.1, NM_005270.5); c.4202G>A, p.Arg1401His (NM_001374354.1); short protein forms R1543H, R1401H, R1526H.
Identifiers: ClinVar variation 194225 (VCV000194225.44), dbSNP rs138987487, ClinGen allele CA201045.

ClinVar aggregate classification (germline): Benign/Likely benign. Review status: criteria provided, multiple submitters, no conflicts (2 of 4 stars). 8 submissions from 8 submitters: Benign (1); Likely benign (6). 1 of the submissions does not count toward it. Last evaluated 2025-10-23.

Conditions:
GLI2-related disorder. Also called: GLI2-related condition; GLI2-related disorders.
Holoprosencephaly 9 (HPE9). Also called: HOLOPROSENCEPHALY WITH MICROPHTHALMIA AND FIRST BRANCHIAL ARCH ANOMALIES; PITUITARY ANOMALIES WITH HOLOPROSENCEPHALY-LIKE FEATURES. Identifiers: Orphanet 2162, MedGen C1835819, MONDO:0012563, OMIM 610829.
Postaxial polydactyly-anterior pituitary anomalies-facial dysmorphism syndrome. Also called: Culler-Jones syndrome. Identifiers: Orphanet 420584, MedGen C4014479, MONDO:0014369, OMIM 615849.

Allele frequency attached by ClinVar (database versions not stated): ESP Exome Variant Server 0.00046; 1000 Genomes Project 30x 0.00047; ExAC 0.00050; gnomAD exomes 0.00055 and 0.00084; TOPMed 0.00056; gnomAD 0.00058 and 0.00059; 1000 Genomes Project 0.00060.
gnomAD v4.1: 1,298 of 1,613,862 alleles (0.08%); highest among the groups gnomAD compares: Non-Finnish European, 0.1%; 1 homozygote.

Submissions (8):

Labcorp Genetics (formerly Invitae), Labcorp
Classification: Likely benign for Postaxial polydactyly-anterior pituitary anomalies-facial dysmorphism syndrome; Holoprosencephaly 9. Last evaluated: 2025-10-23. Review status: criteria provided, single submitter. Criteria: Invitae Variant Classification Sherloc (09022015). Collection method: clinical testing. Allele origin: germline.

Women's Health and Genetics/Laboratory Corporation of America, LabCorp
Classification: Likely benign. Last evaluated: 2025-02-11. Review status: criteria provided, single submitter. Criteria: LabCorp Variant Classification Summary - May 2015. Collection method: clinical testing. Allele origin: germline.
Comment: Variant summary: GLI2 c.4628G>A (p.Arg1543His) results in a non-conservative amino acid change in the encoded protein sequence. Three of five in-silico tools predict a damaging effect of the variant on protein function. The variant allele was found at a frequency of 0.0008 in 1613862 control chromosomes, predominantly at a frequency of 0.001 within the Non-Finnish European subpopulation in the gnomAD database, including 1 homozygotes. The observed variant frequency within Non-Finnish European control individuals in the gnomAD database exceeds the estimated maximal expected allele frequency for a pathogenic variant in GLI2 causing GLI2-Related Disorders phenotype. c.4628G>A has been reported in the literature in an individual affected with Holoprosencephaly-like phenotype (example: Bear_2014). These report(s) do not provide unequivocal conclusions about association of the variant with GLI2-Related Disorders. To our knowledge, no experimental evidence demonstrating an impact on protein function has been reported. The following publications have been ascertained in the context of this evaluation (PMID: 24744436, 34921505). ClinVar contains an entry for this variant (Variation ID: 194225). Based on the evidence outlined above, the variant was classified as likely benign.

Blueprint Genetics
Classification: Likely benign. Last evaluated: 2024-05-23. Review status: criteria provided, single submitter. Criteria: ACMG Guidelines, 2015. Collection method: clinical testing. Allele origin: germline.

CeGaT Center for Human Genetics Tuebingen
Classification: Likely benign. Last evaluated: 2023-01-01. Review status: criteria provided, single submitter. Criteria: CeGaT Center For Human Genetics Tuebingen Variant Classification Criteria Version 2. Collection method: clinical testing. Allele origin: germline. Affected: yes. Observed: 1 variant allele.
Comment: GLI2: BP4, BS1

Illumina Laboratory Services, Illumina
Classification: Likely benign for Holoprosencephaly 9. Last evaluated: 2017-04-27. Review status: criteria provided, single submitter. Criteria: ICSL Variant Classification Criteria 13 December 2019. Collection method: clinical testing. Allele origin: germline.
Comment: This variant was observed as part of a predisposition screen in an ostensibly healthy population. A literature search was performed for the gene, cDNA change, and amino acid change (where applicable). Publications were found based on this search. The evidence from the literature, in combination with allele frequency data from public databases where available, was sufficient to determine this variant is unlikely to cause disease. Therefore, this variant is classified as likely benign.

Eurofins Ntd Llc (ga)
Classification: Benign. Last evaluated: 2015-04-22. Review status: criteria provided, single submitter. Criteria: EGL Classification Definitions 2015. Collection method: clinical testing. Allele origin: germline. Observed: 1 variant allele, 1 heterozygote.

Breakthrough Genomics
Classification: Likely benign. Review status: criteria provided, single submitter. Criteria: ACMG Guidelines, 2015. Collection method: not provided. Allele origin: germline. Inheritance: Autosomal dominant inheritance. Affected: yes.

PreventionGenetics, part of Exact Sciences
Classification: Likely benign for GLI2-related condition. Last evaluated: 2024-02-12. Review status: no assertion criteria provided. Collection method: clinical testing. Allele origin: germline. Not counted in ClinVar's aggregate classification.
Comment: This variant is classified as likely benign based on ACMG/AMP sequence variant interpretation guidelines (Richards et al. 2015 PMID: 25741868, with internal and published modifications).

Literature cited by the submitters: PubMed 24744436 (cited by Women's Health and Genetics/Laboratory Corporation of America, LabCorp); PubMed 34921505 (cited by Women's Health and Genetics/Laboratory Corporation of America, LabCorp); PubMed 23408573 (cited by Illumina Laboratory Services, Illumina).